The following is an entry in ClinVar:

NM_022552.5(DNMT3A):c.1762C>A (p.His588Asn)

Gene: DNMT3A (DNA methyltransferase 3 alpha; minus strand). Cytogenetic location: 2p23.3.
Variant type: single nucleotide variant.
Coding change: c.1762C>A on transcript NM_022552.5 (MANE Select); coding-DNA position 1762, C replaced by A.
Protein change: p.His588Asn; replaces histidine 588 with asparagine.
Molecular consequence: missense variant. On other transcripts: non-coding transcript variant (1).
Genome position (GRCh38, 1-based): chr2:25,244,244, G>T on the plus strand (C>A on the coding strand, the complement: DNMT3A is on the minus strand). VCF-style: chr2-25244244-G-T. GRCh37 (hg19) VCF-style: chr2-25467113-G-T.
Other names: c.1306C>A, p.His436Asn (NM_001320893.1); c.1093C>A, p.His365Asn (NM_001375819.1); c.1195C>A, p.His399Asn (NM_153759.3); c.1762C>A, p.His588Asn (NM_175629.2); short protein forms H436N, H365N, H399N, H588N.
Identifiers: ClinVar variation 4243598 (VCV004243598.1).

ClinVar aggregate classification (germline): Uncertain significance (1 of 4 stars; one submission).

Conditions:
Inborn genetic diseases. Identifiers: MedGen C0950123, MeSH D030342.

gnomAD v4.1: 2 of 1,614,048 alleles (0.00012%); no homozygotes.

Submission:

Ambry Genetics
Classification: Uncertain significance for Inborn genetic diseases. Last evaluated: 2025-07-16. Review status: criteria provided, single submitter. Criteria: Ambry Variant Classification Scheme 2023. Collection method: clinical testing. Allele origin: germline.
Comment: The p.H588N variant (also known as c.1762C>A), located in coding exon 14 of the DNMT3A gene, results from a C to A substitution at nucleotide position 1762. The histidine at codon 588 is replaced by asparagine, an amino acid with similar properties. This amino acid position is conserved. In addition, this alteration is predicted to be tolerated by in silico analysis. Based on the available evidence, the clinical significance of this variant remains unclear.